The following is an entry in ClinVar:

ClinVar aggregate classification (germline): Uncertain significance (1 of 4 stars; one submission).

Allele frequency attached by ClinVar (database versions not stated): gnomAD exomes below 0.00001; gnomAD 0.00001; TOPMed 0.00001.
gnomAD v4.1: 3 of 1,614,020 alleles (0.00019%); highest among the groups gnomAD compares: South Asian, 0.0011%; no homozygotes.

Submission:

Quest Diagnostics Nichols Institute San Juan Capistrano
Classification: Uncertain significance. Last evaluated: 2023-05-01. Review status: criteria provided, single submitter. Criteria: Quest Diagnostics criteria. Collection method: clinical testing. Allele origin: unknown.
Comment: The frequency of this variant in the general population, 0.0000066 (1/152134 chromosomes), is uninformative in assessment of its pathogenicity. In the published literature, the variant has been reported in individuals with familial hypercholesterolemia (PMID: 32044282 (2020)). Analysis of this variant using bioinformatics tools for the prediction of the effect of amino acid changes on protein structure and function yielded predictions that this variant is damaging. Based on the available information, we are unable to determine the clinical significance of this variant.

Literature cited by the submitters: PubMed 32044282.

NM_000384.3(APOB):c.13538T>G (p.Phe4513Cys)

Gene: APOB (apolipoprotein B; minus strand). Cytogenetic location: 2p24.1.
Variant type: single nucleotide variant.
Coding change: c.13538T>G on transcript NM_000384.3 (MANE Select); coding-DNA position 13538, T replaced by G.
Protein change: p.Phe4513Cys; replaces phenylalanine 4513 with cysteine.
Molecular consequence: missense variant.
Genome position (GRCh38, 1-based): chr2:21,001,884, A>C on the plus strand (T>G on the coding strand, the complement: APOB is on the minus strand). VCF-style: chr2-21001884-A-C. GRCh37 (hg19) VCF-style: chr2-21224756-A-C.
Other names: short protein forms F4513C.
Identifiers: ClinVar variation 2681872 (VCV002681872.1), dbSNP rs1231966626, ClinGen allele CA345967175.